The following is an entry in ClinVar:

ClinVar aggregate classification (germline): Benign/Likely benign. Review status: criteria provided, multiple submitters, no conflicts (2 of 4 stars). 3 submissions from 3 submitters: Benign (1); Likely benign (2). Last evaluated 2026-02-03.

Conditions:
Cardiomyopathy (CMYO). Also called: Cardiomyopathies. Identifiers: Orphanet 167848, MedGen C0878544, MONDO:0004994, HP:0001638. Inheritance: Various modes of inheritance.
ANKRD1-related dilated cardiomyopathy. Identifiers: MedGen CN119551.

Submissions (3):

Labcorp Genetics (formerly Invitae), Labcorp
Classification: Likely benign for ANKRD1-related dilated cardiomyopathy. Last evaluated: 2026-02-03. Review status: criteria provided, single submitter. Criteria: Invitae Variant Classification Sherloc (09022015). Collection method: clinical testing. Allele origin: germline.

Women's Health and Genetics/Laboratory Corporation of America, LabCorp
Classification: Likely benign. Last evaluated: 2026-01-16. Review status: criteria provided, single submitter. Criteria: LabCorp Variant Classification Summary - May 2015. Collection method: clinical testing. Allele origin: germline.
Comment: Variant summary: ANKRD1 c.346-13_346-10delATTT alters a nucleotide located at a position not widely known to affect splicing. Consensus agreement among computation tools predict no significant impact on normal splicing. However, these predictions have yet to be confirmed by functional studies. The frequency data for this variant in gnomAD is considered unreliable, as metrics indicate poor data quality at this position. To our knowledge, no occurrence of c.346-13_346-10delATTT in individuals affected with ANKRD1-related conditions and no experimental evidence demonstrating its impact on protein function have been reported. ClinVar contains an entry for this variant (Variation ID: 201658). Based on the evidence outlined above, the variant was classified as likely benign.

GeneDx
Classification: Benign for Cardiomyopathy. Last evaluated: 2014-03-07. Review status: criteria provided, single submitter. Criteria: GeneDx Variant Classification (06012015). Collection method: clinical testing. Allele origin: germline. Affected: yes.
Comment: The variant is found in DCM-CRDM,CARDIOMYOPATHY panel(s).

NM_014391.3(ANKRD1):c.346-21ATTT[2]

Gene: ANKRD1 (ankyrin repeat domain 1; minus strand). Cytogenetic location: 10q23.31.
Variant type: Microsatellite.
Coding change: c.346-21ATTT[2] on transcript NM_014391.3 (MANE Select); two copies in a row of the 4-base unit ATTT starting at c.346-21; the reference has three copies in a row; one copy, 4 bases deleted.
Molecular consequence: intron variant.
Genome position (GRCh38, 1-based): chr10:90,918,982-90,918,985, AAAT deleted on the plus strand (ATTT on the coding strand, the reverse complement: ANKRD1 is on the minus strand); deleting any 4 consecutive bases within chr10:90,918,982-90,918,994 gives the same sequence; the position shown is the placement nearest the transcript's 3' end. VCF-style (leftmost placement, unchanged base first): chr10-90918981-AAAAT-A. GRCh37 (hg19) VCF-style: chr10-92678738-AAAAT-A.
Other names: c.346-13_346-10delATTT (NM_014391.2, NM_014391.3).
Identifiers: ClinVar variation 201658 (VCV000201658.18), dbSNP rs397517250, ClinGen allele CA335061.
Genomic context (GRCh38, chr10:90,918,981, plus strand): 5'-GTTTATTCTCCAGAGCAGCCTTCAGAAACGTAGGCACATCCACAGGTTCCGTCTAAAGCC[AAAAT>A]AAATAAATATATATATATATATATATATATAGCATGAGAGTTACCGTGAGCTTGCCAGCA-3'